The following is an entry in ClinVar:

ClinVar aggregate classification (germline): Likely pathogenic. Review status: criteria provided, multiple submitters, no conflicts (2 of 4 stars). 2 submissions from 2 submitters: Likely pathogenic (2). Last evaluated 2023-09-23.

Conditions:
Long QT syndrome (LQTS). Identifiers: MedGen C0023976, MeSH D008133, MONDO:0002442. Disease mechanism: loss of function. Inheritance: Various modes of inheritance.

Submissions (2):

Labcorp Genetics (formerly Invitae), Labcorp
Classification: Likely pathogenic for Long QT syndrome. Last evaluated: 2023-09-23. Review status: criteria provided, single submitter. Criteria: Invitae Variant Classification Sherloc (09022015). Collection method: clinical testing. Allele origin: germline.
Comment: This sequence change affects an acceptor splice site in intron 2 of the KCNH2 gene. It is expected to disrupt RNA splicing. Variants that disrupt the donor or acceptor splice site typically lead to a loss of protein function (PMID: 16199547), and loss-of-function variants in KCNH2 are known to be pathogenic (PMID: 10973849, 19862833). In summary, the currently available evidence indicates that the variant is pathogenic, but additional data are needed to prove that conclusively. Therefore, this variant has been classified as Likely Pathogenic. Algorithms developed to predict the effect of sequence changes on RNA splicing suggest that this variant may disrupt the consensus splice site. ClinVar contains an entry for this variant (Variation ID: 379451). This variant has not been reported in the literature in individuals affected with KCNH2-related conditions. This variant is not present in population databases (gnomAD no frequency).

GeneDx
Classification: Likely pathogenic. Last evaluated: 2018-07-06. Review status: criteria provided, single submitter. Criteria: GeneDx Variant Classification (06012015). Collection method: clinical testing. Allele origin: germline. Affected: yes.
Comment: The c.308-2 A>G variant has been reported previously in association with LQTS (Berge K et al., 2008). This substitution destroys the canonical splice acceptor site in intron 2 and is predicted to cause abnormal gene splicing. Other splice site variants in theKCNH2 gene have been reported in the Human Gene Mutation Database in association with LQTS (Stenson P et al., 2014). Furthermore, the c.308-2 A>G variant was not observed in approximately 6,500 individuals of European and African American ancestry in the NHLBI Exome Sequencing Project, indicating it is not a common benign variant in these populations.Based on currently available evidence, c.308-2 A>G is a strong candidate for a pathogenic variant. However, the possibility it is a rare benign variant cannot be excluded.

Literature cited by the submitters: PubMed 16199547 (cited by Labcorp Genetics (formerly Invitae), Labcorp); PubMed 10973849 (cited by Labcorp Genetics (formerly Invitae), Labcorp); PubMed 19862833 (cited by Labcorp Genetics (formerly Invitae), Labcorp).

NM_000238.4(KCNH2):c.308-2A>G

Gene: KCNH2 (potassium voltage-gated channel subfamily H member 2; minus strand). Cytogenetic location: 7q36.1.
Variant type: single nucleotide variant.
Coding change: c.308-2A>G on transcript NM_000238.4 (MANE Select); the canonical splice acceptor site of the intron before coding-DNA position 308, A replaced by G.
Molecular consequence: splice acceptor variant. On other transcripts: synonymous variant (2).
Genome position (GRCh38, 1-based): chr7:150,959,738, T>C on the plus strand (A>G on the coding strand, the complement: KCNH2 is on the minus strand). VCF-style: chr7-150959738-T-C. GRCh37 (hg19) VCF-style: chr7-150656826-T-C.
Other names: c.18A>G, p.Ala6= (NM_001406753.1, NM_001406756.1); c.308-2A>G (NM_172056.3); c.131-2A>G (NM_001406755.1); c.8-2A>G (NM_001406757.1).
Identifiers: ClinVar variation 379451 (VCV000379451.10), dbSNP rs1057520598, ClinGen allele CA16605176.